The following is an entry in ClinVar:

NM_004304.5(ALK):c.700C>A (p.Pro234Thr)

Gene: ALK (ALK receptor tyrosine kinase; minus strand). Cytogenetic location: 2p23.2.
Variant type: single nucleotide variant.
Coding change: c.700C>A on transcript NM_004304.5 (MANE Select); coding-DNA position 700, C replaced by A.
Protein change: p.Pro234Thr; replaces proline 234 with threonine.
Molecular consequence: missense variant.
Genome position (GRCh38, 1-based): chr2:29,717,665, G>T on the plus strand (C>A on the coding strand, the complement: ALK is on the minus strand). VCF-style: chr2-29717665-G-T. GRCh37 (hg19) VCF-style: chr2-29940531-G-T.
Other names: short protein forms P234T.
Identifiers: ClinVar variation 404314 (VCV000404314.8), dbSNP rs1060500209, ClinGen allele CA16610815.

ClinVar aggregate classification (germline): Uncertain significance (1 of 4 stars; one submission).

Conditions:
Neuroblastoma, susceptibility to, 3. Also called: ALK-Related Neuroblastic Tumor Susceptibility. Identifiers: Orphanet 635, MedGen C2751681, MONDO:0013083, OMIM 613014.

gnomAD v4.1: 1 of 1,613,974 alleles (0.000062%); highest among the groups gnomAD compares: Non-Finnish European, 0.000085%; no homozygotes.

Submission:

Labcorp Genetics (formerly Invitae), Labcorp
Classification: Uncertain significance for Neuroblastoma, susceptibility to, 3. Last evaluated: 2016-10-12. Review status: criteria provided, single submitter. Criteria: Invitae Variant Classification Sherloc (09022015). Collection method: clinical testing. Allele origin: germline.
Comment: In summary, this variant is a novel missense change with uncertain impact on protein function. It has been classified as a Variant of Uncertain Significance. Algorithms developed to predict the effect of missense changes on protein structure and function do not agree on the potential impact of this missense change (SIFT: "Deleterious"; PolyPhen-2: "Benign"; Align-GVGD: "Class C0"). This variant is not present in population databases (ExAC no frequency) and has not been reported in the literature in individuals with a ALK-related disease. This sequence change replaces proline with threonine at codon 234 of the ALK protein (p.Pro234Thr). The proline residue is moderately conserved and there is a small physicochemical difference between proline and threonine.